The following is an entry in ClinVar:

NM_012470.4(TNPO3):c.-9G>A

Genes: TNPO3 (transportin 3; minus strand), LOC129999289 (ATAC-STARR-seq lymphoblastoid active region 26616; plus strand). Cytogenetic location: 7q32.1.
Variant type: single nucleotide variant.
Coding change: c.-9G>A on transcript NM_012470.4 (MANE Select); 9 bases upstream of the start codon, G replaced by A.
Molecular consequence: 5 prime UTR variant. On other transcripts: non-coding transcript variant (18).
Genome position (GRCh38, 1-based): chr7:129,054,779, C>T on the plus strand (G>A on the coding strand, the complement: TNPO3 is on the minus strand). VCF-style: chr7-129054779-C-T. GRCh37 (hg19) VCF-style: chr7-128694833-C-T.
Other names: c.-9G>A (NM_001191028.3, NM_001382216.1, NM_001382217.1 and 6 more transcripts).
Identifiers: ClinVar variation 284885 (VCV000284885.6), dbSNP rs201636723, ClinGen allele CA4478485.

ClinVar aggregate classification (germline): Benign/Likely benign. Review status: criteria provided, multiple submitters, no conflicts (2 of 4 stars). 3 submissions from 3 submitters: Benign (1); Likely benign (2). Last evaluated 2025-03-06.

Allele frequency attached by ClinVar (database versions not stated): TOPMed 0.00247; gnomAD exomes 0.00067; 1000 Genomes Project 30x 0.00281; ExAC 0.00077; 1000 Genomes Project 0.00260; ESP Exome Variant Server 0.00284.
gnomAD v4.1: 664 of 1,613,974 alleles (0.041%); highest among the groups gnomAD compares: African/African-American, 0.8%; 2 homozygotes.

Submissions (3):

Mayo Clinic Laboratories, Mayo Clinic
Classification: Likely benign. Last evaluated: 2025-03-06. Review status: criteria provided, single submitter. Criteria: ACMG Guidelines, 2015. Collection method: clinical testing. Allele origin: germline. Observed: 2 variant alleles.
Comment: BS1, BP4, BP7

GeneDx
Classification: Likely benign. Last evaluated: 2017-12-07. Review status: criteria provided, single submitter. Criteria: GeneDx Variant Classification (06012015). Collection method: clinical testing. Allele origin: germline. Affected: yes.
Comment: This variant is considered likely benign or benign based on one or more of the following criteria: it is a conservative change, it occurs at a poorly conserved position in the protein, it is predicted to be benign by multiple in silico algorithms, and/or has population frequency not consistent with disease.

Eurofins Ntd Llc (ga)
Classification: Benign. Last evaluated: 2015-12-08. Review status: criteria provided, single submitter. Criteria: EGL Classification Definitions 2015. Collection method: clinical testing. Allele origin: germline. Observed: 2 variant alleles, 2 heterozygotes.